The following is an entry in ClinVar:

NM_003239.5(TGFB3):c.927-3T>C

Gene: TGFB3 (transforming growth factor beta 3; minus strand). Cytogenetic location: 14q24.3.
Variant type: single nucleotide variant.
Coding change: c.927-3T>C on transcript NM_003239.5 (MANE Select); 3 bases into the intron before coding-DNA position 927, T replaced by C.
Molecular consequence: intron variant.
Genome position (GRCh38, 1-based): chr14:75,961,079, A>G on the plus strand (T>C on the coding strand, the complement: TGFB3 is on the minus strand). VCF-style: chr14-75961079-A-G. GRCh37 (hg19) VCF-style: chr14-76427422-A-G.
Other names: c.927-3T>C (NM_001329939.2).
Identifiers: ClinVar variation 4635577 (VCV004635577.1).
Genomic context (GRCh38, chr14:75,961,079, plus strand): 5'-CAGATCCTGTCGGAAGTCAATGTAGAGGGGGCGCACACAGCAGTTCTCCTCCAAGTTGCT[A>G]CAACAAAAAACATTTATAGAAAATCAACTTAAAACCACCAATAAAAGAAACTTCATGAAT-3'

ClinVar aggregate classification (germline): Uncertain significance (1 of 4 stars; one submission).

Conditions:
Familial thoracic aortic aneurysm and aortic dissection (TAAD). Also called: Thoracic aortic aneurysms and dissections. Identifiers: Orphanet 91387, MedGen C4707243, MONDO:0019625.

gnomAD v4.1: 9 of 1,614,208 alleles (0.00056%); highest among the groups gnomAD compares: South Asian, 0.0099%; no homozygotes.

Submission:

Ambry Genetics
Classification: Uncertain significance for Familial thoracic aortic aneurysm and aortic dissection. Last evaluated: 2025-11-07. Review status: criteria provided, single submitter. Criteria: Ambry Variant Classification Scheme 2023. Collection method: clinical testing. Allele origin: germline.
Comment: The c.927-3T>C intronic variant results from a T to C substitution 3 nucleotides upstream from coding exon 6 in the TGFB3 gene. This nucleotide position is not well conserved in available vertebrate species. In silico splice site analysis predicts that this alteration will not have any significant effect on splicing. Based on the available evidence, the clinical significance of this variant remains unclear.